The following is an entry in ClinVar:

ClinVar aggregate classification (germline): Uncertain significance (1 of 4 stars; one submission).

Allele frequency attached by ClinVar (database versions not stated): gnomAD exomes below 0.00001.
gnomAD v4.1: 3 of 1,613,516 alleles (0.00019%); highest among the groups gnomAD compares: Non-Finnish European, 0.00025%; no homozygotes.

Submission:

Labcorp Genetics (formerly Invitae), Labcorp
Classification: Uncertain significance. Last evaluated: 2020-02-21. Review status: criteria provided, single submitter. Criteria: Invitae Variant Classification Sherloc (09022015). Collection method: clinical testing. Allele origin: germline.
Comment: Algorithms developed to predict the effect of missense changes on protein structure and function (SIFT, PolyPhen-2, Align-GVGD) all suggest that this variant is likely to be tolerated, but these predictions have not been confirmed by published functional studies and their clinical significance is uncertain. In summary, the available evidence is currently insufficient to determine the role of this variant in disease. Therefore, it has been classified as a Variant of Uncertain Significance. This variant has been observed in an individual affected with late onset high myopia (PMID: 29453956). This variant is not present in population databases (ExAC no frequency). This sequence change replaces threonine with methionine at codon 73 of the GNAT1 protein (p.Thr73Met). The threonine residue is highly conserved and there is a moderate physicochemical difference between threonine and methionine.

Literature cited by the submitters: PubMed 29453956.

NM_144499.3(GNAT1):c.218C>T (p.Thr73Met)

Gene: GNAT1 (G protein subunit alpha transducin 1; plus strand). Cytogenetic location: 3p21.31.
Variant type: single nucleotide variant.
Coding change: c.218C>T on transcript NM_144499.3 (MANE Select); coding-DNA position 218, C replaced by T.
Protein change: p.Thr73Met; replaces threonine 73 with methionine.
Molecular consequence: missense variant.
Genome position (GRCh38, 1-based): chr3:50,193,333, C>T. VCF-style: chr3-50193333-C-T. GRCh37 (hg19) VCF-style: chr3-50230766-C-T.
Other names: c.218C>T, p.Thr73Met (NM_000172.4); short protein forms T73M.
Identifiers: ClinVar variation 939876 (VCV000939876.6), dbSNP rs1236654107, ClinGen allele CA352913370.